The following continues an entry in ClinVar:

NM_000256.3(MYBPC3):c.1505G>A (p.Arg502Gln)

Gene: MYBPC3. ClinVar aggregate classification (germline): Pathogenic. Pathogenic (1).

Submissions 7 to 16 of 28:

Molecular Genetics, Royal Melbourne Hospital
Classification: Pathogenic for Hypertrophic cardiomyopathy 4. Last evaluated: 2024-07-04. Review status: criteria provided, single submitter. Criteria: ACMG Guidelines, 2015. Collection method: clinical testing. Allele origin: germline. Inheritance: Autosomal dominant inheritance. Affected: yes. Not counted in ClinVar's aggregate classification.
Comment: This sequence change in MYBPC3 is predicted to replace arginine with glutamine at codon 502, p.(Arg502Gln). The arginine residue is highly conserved (100 vertebrates, Multiz Alignments), and is located in the Ig-like C2-type 3 domain in a region (amino acids 485-502), that is defined as a mutational hotspot (PMID: 30696458). There is a small physicochemical difference between arginine and glutamine. The highest population minor allele frequency in the population database gnomAD v4.1 is 0.007% (5/74,922 alleles) in the African/African American population. The prevalence of the variant in individuals with hypertrophic cardiomyopathy (HCM) is significantly increased compared with the prevalence in the population (30 in 11,582 case genotypes vs 5 in 589,947 control genotypes giving an odds ratio of 306.4, 95%CI=118.9-789.9; PMID: 20433692, 25611685, 28771489, 32481709, 37652022; gnomAD v4.1). The variant has been reported to segregate with HCM in multiple families (PMID: 9562578, 20433692). Computational evidence predicts a deleterious effect for the missense substitution (REVEL = 0.645). Another missense variant with a larger physicochemical difference (c.1504C>T p.Arg502Trp) in the same codon has been classified as pathogenic for HCM (ClinVar ID: 42540). Based on the classification scheme RMH Modified ACMG/AMP Guidelines v1.6.1, this variant is classified as PATHOGENIC. Following criteria are met: PM1, PP1_Strong, PP3, PS4.

All of Us Research Program, National Institutes of Health
Classification: Pathogenic for Hypertrophic cardiomyopathy. Last evaluated: 2024-03-24. Review status: criteria provided, single submitter. Criteria: ACMG Guidelines, 2015. Collection method: clinical testing. Allele origin: germline. Inheritance: Autosomal dominant inheritance. Observed: 3 variant alleles, 3 heterozygotes. Not counted in ClinVar's aggregate classification.
Comment: This missense variant replaces arginine with glutamine at codon 502 in the Ig-like domain C3 of the MYBPC3 protein. Computational prediction tools indicate that this variant has a deleterious impact on protein structure and function. To our knowledge, functional studies have not been reported for this variant. This variant has been reported in over 20 individuals affected with hypertrophic cardiomyopathy (PMID: 9562578, 16566405, 18403758, 18533079, 20433692, 22112859, 22267749, 22857948, 27600940, 28193612, 31308319). It has been shown that this variant segregates with hypertrophic cardiomyopathy in multiple affected individuals across multiple unrelated families (PMID: 20433692, 22112859). This variant has also been reported in one individual affected with left ventricular noncompaction cardiomyopathy who also carried a different pathogenic truncation variant in the same gene (PMID: 31918855). This variant has not been identified in the general population by the Genome Aggregation Database (gnomAD). A different variant affecting the same codon, p.Arg502Trp, is considered to be disease-causing (ClinVar variation ID: 42540), suggesting that arginine at this position is important for MYBPC3 protein function. Based on the available evidence, this variant is classified as Pathogenic.

This study involves interpretation of variants in research participants for the purpose of population health screening. Participant phenotype was not available at the time of variant classification. Additional details can be found in publication PMID: 35346344, PMCID: PMC8962531

Color Diagnostics, LLC DBA Color Health
Classification: Pathogenic for Cardiomyopathy. Last evaluated: 2024-01-30. Review status: criteria provided, single submitter. Criteria: ACMG Guidelines, 2015. Collection method: clinical testing. Allele origin: germline. Not counted in ClinVar's aggregate classification.
Comment: This missense variant replaces arginine with glutamine at codon 502 in the Ig-like domain C3 of the MYBPC3 protein. Computational prediction tools indicate that this variant has a deleterious impact on protein structure and function. To our knowledge, functional studies have not been reported for this variant. This variant has been reported in over 20 individuals affected with hypertrophic cardiomyopathy (PMID: 9562578, 16566405, 18403758, 18533079, 20433692, 22112859, 22267749, 22857948, 27600940, 28193612, 31308319). It has been shown that this variant segregates with hypertrophic cardiomyopathy in multiple affected individuals across multiple unrelated families (PMID: 20433692, 22112859). This variant has also been reported in one individual affected with left ventricular noncompaction cardiomyopathy who also carried a different pathogenic truncation variant in the same gene (PMID: 31918855). This variant has not been identified in the general population by the Genome Aggregation Database (gnomAD). A different variant affecting the same codon, p.Arg502Trp, is considered to be disease-causing (ClinVar variation ID: 42540), suggesting that arginine at this position is important for MYBPC3 protein function. Based on the available evidence, this variant is classified as Pathogenic.

GeneDx
Classification: Pathogenic. Last evaluated: 2023-09-01. Review status: criteria provided, single submitter. Criteria: GeneDx Variant Classification Process June 2021. Collection method: clinical testing. Allele origin: germline. Affected: yes. Not counted in ClinVar's aggregate classification.
Comment: Not observed at significant frequency in large population cohorts (gnomAD); In silico analysis supports that this missense variant has a deleterious effect on protein structure/function; This variant is associated with the following publications: (PMID: 20298698, 15115610, 20378854, 32952175, 34097875, 34060810, 16715312, 31918855, 27532257, 18803133, 25342278, 22386539, 27600940, 26507537, 26183555, 25892673, 18957093, 22857948, 24093860, 24510615, 20433692, 22112859, 18403758, 16566405, 16858239, 18533079, 17224687, 22267749, 30645170, 29687901, 20738943, 29907873, 28166811, 21310275, 28193612, 31006259, 31447099, 30847666, 33658040, 9562578, 31589614, 12106841, 33407484, 34400558, 35208637, 36243179, 36264615, 36252119, 36136372, 35653365, 12707239)

Molecular Diagnostic Laboratory for Inherited Cardiovascular Disease, Montreal Heart Institute
Classification: Pathogenic for Cardiovascular phenotype. Last evaluated: 2023-05-02. Review status: criteria provided, single submitter. Criteria: ACMG Guidelines, 2015. Collection method: clinical testing. Allele origin: germline. Affected: yes. Not counted in ClinVar's aggregate classification.

Baylor Genetics
Classification: Pathogenic for Left ventricular noncompaction 10. Last evaluated: 2023-03-22. Review status: criteria provided, single submitter. Criteria: ACMG Guidelines, 2015. Collection method: clinical testing. Allele origin: unknown. Not counted in ClinVar's aggregate classification.

Baylor Genetics
Classification: Pathogenic for Hypertrophic cardiomyopathy 4. Last evaluated: 2023-03-22. Review status: criteria provided, single submitter. Criteria: ACMG Guidelines, 2015. Collection method: clinical testing. Allele origin: unknown. Not counted in ClinVar's aggregate classification.

Women's Health and Genetics/Laboratory Corporation of America, LabCorp
Classification: Pathogenic for Primary familial hypertrophic cardiomyopathy. Last evaluated: 2022-12-07. Review status: criteria provided, single submitter. Criteria: LabCorp Variant Classification Summary - May 2015. Collection method: clinical testing. Allele origin: germline. Not counted in ClinVar's aggregate classification.
Comment: Variant summary: MYBPC3 c.1505G>A (p.Arg502Gln) results in a conservative amino acid change located in the immunoglobulin subtype 2 domain (IPR003598) of the encoded protein sequence. Three of five in-silico tools predict a damaging effect of the variant on protein function. The variant was absent in 250000 control chromosomes (gnomAD and publications). c.1505G>A has been reported in the literature in many individuals affected with Hypertrophic Cardiomyopathy (HCM), including in several unrelated families where it primarily segregated with the disease phenotype (e.g. Niimura_1998, Girolami_2006, Miller_2007, Morita_2008, Rodriguez-Garcia_2010, Otsuka_2012, Walsh_2017). These data indicate that the variant is very likely to be associated with disease. A variant affecting the same codon, p.Arg502Trp, has also been reported to be associated with HCM, suggesting that the Arg502 residue is likely important for MYBPC3 protein function. Fourteen submitters have provided assessments for this variant to ClinVar after 2014 and all classified the variant as pathogenic (n=13) or likely pathogenic (n=1). Based on the evidence outlined above, the variant was classified as pathogenic.

Victorian Clinical Genetics Services, Murdoch Childrens Research Institute
Classification: Pathogenic for Hypertrophic cardiomyopathy 4. Last evaluated: 2022-02-02. Review status: criteria provided, single submitter. Criteria: ACMG Guidelines, 2015. Collection method: clinical testing. Allele origin: germline. Inheritance: Autosomal dominant inheritance. Affected: yes. Not counted in ClinVar's aggregate classification.
Comment: Based on the classification scheme VCGS_Germline_v1.3.4, this variant is classified as Pathogenic. Following criteria are met: 0102 - Loss of function is a known mechanism of disease in this gene and is associated with cardiomyopathy. (I) 0108 - This gene is known to be associated with both recessive and dominant disease. Heterozygous variants are frequently reported in adult onset hypertrophic and dilated cardiomyopathies, however recessive inheritance is associated with a severe early onset hypertrophic cardiomyopathy (OMIM). (I) 0115 - Variants in this gene are known to have variable expressivity (PMID: 32841044). (I) 0200 - Variant is predicted to result in a missense amino acid change from an arginine to glutamine. (I) 0251 - This variant is heterozygous. (I) 0302 - Variant is present in gnomAD (v3) <0.001 for a dominant condition (3 heterozygotes, 0 homozygotes). (SP) 0309 - An alternative amino acid change at the same position has been observed in gnomAD (v3) (13 heterozygotes, 0 homozygotes). (I) 0502 - Missense variant with conflicting in silico predictions and uninformative conservation. (I) 0600 - Variant is located in the annotated immunoglobulin I-set domain (NCBI). (I) 0801 - This variant has very strong previous evidence of pathogenicity in unrelated individuals. This variant has been reported in multiple individuals with hypertrophic cardiomyopathy (ClinVar, PMID: 31308319, 31771441). (SP) 1208 - Inheritance information for this variant is not currently available in this individual. (I) Legend: (SP) - Supporting pathogenic, (I) - Information, (SB) - Supporting benign

AiLife Diagnostics
Classification: Pathogenic. Last evaluated: 2021-11-09. Review status: criteria provided, single submitter. Criteria: ACMG Guidelines, 2015. Collection method: clinical testing. Allele origin: germline. Affected: yes. Observed: 1 variant allele. Not counted in ClinVar's aggregate classification.